The following is an entry in ClinVar:

ClinVar aggregate classification (germline): Likely pathogenic (1 of 4 stars; one submission).

Conditions:
Intellectual developmental disorder, autosomal dominant 58. Also called: MENTAL RETARDATION, AUTOSOMAL DOMINANT 58; Intellectual disability, autosomal dominant 58. Identifiers: MedGen C4748195, MONDO:0020847, OMIM 618106.

Submission:

Victorian Clinical Genetics Services, Murdoch Childrens Research Institute
Classification: Likely pathogenic for Intellectual developmental disorder, autosomal dominant 58. Last evaluated: 2023-07-17. Review status: criteria provided, single submitter. Criteria: ACMG Guidelines, 2015. Collection method: clinical testing. Allele origin: germline. Inheritance: Autosomal dominant inheritance. Affected: yes.
Comment: Based on the classification scheme VCGS_Germline_v1.3.4, this variant is classified as Likely Pathogenic. Following criteria are met: 0102 - Loss of function is a known mechanism of disease in this gene and is associated with intellectual developmental disorder, autosomal dominant 58 (MIM#618106). (I) 0107 - This gene is associated with autosomal dominant disease. (I) 0204 - Variant is predicted to cause nonsense-mediated decay (NMD) and loss of protein (premature termination codon (PTC) is located at least 54 nucleotides upstream of the final exon-exon junction). Alternatively, this variant is located near the first 102 nucleotides of the coding sequence, a region predicted to escape nonsense-mediated decay. (SP) 0251 - This variant is heterozygous. (I) 0301 - Variant is absent from gnomAD (both v2 and v3). (SP) 0705 - No comparable 5' NMD-escape variants have previous evidence for pathogenicity; however, NMD-predicted variants have been reported in this gene (DECIPHER, ClinVar). (I) 0807 - This variant has no previous evidence of pathogenicity. (I) 0905 - No published segregation evidence has been identified for this variant. (I) 1007 - No published functional evidence has been identified for this variant. (SP) Legend: (SP) - Supporting pathogenic, (I) - Information, (SB) - Supporting benign

NM_003011.4(SET):c.103_104del (p.His34_Ile35insTer)

Gene: SET (SET nuclear proto-oncogene; plus strand). Cytogenetic location: 9q34.11.
Variant type: Deletion.
Coding change: c.103_104del on transcript NM_003011.4 (MANE Select); coding-DNA positions 103 to 104, 2 bases deleted (AT; older notation c.103_104delAT).
Protein change: p.His34_Ile35insTer.
Molecular consequence: nonsense.
Genome position (GRCh38, 1-based): chr9:128,691,199-128,691,200, AT deleted. VCF-style (leftmost placement, unchanged base first): chr9-128691198-CAT-C. GRCh37 (hg19) VCF-style: chr9-131453477-CAT-C.
Other names: c.142_143del, p.His47_Ile48insTer (NM_001122821.2, NM_001374326.1); c.76_77del, p.His25_Ile26insTer (NM_001248000.2); c.70_71del, p.His23_Ile24insTer (NM_001248001.2).
Identifiers: ClinVar variation 3254904 (VCV003254904.1), dbSNP rs2490430337.
Genomic context (GRCh38, chr9:128,691,198, plus strand): 5'-TTAGAATTAAGTTTTTTGCTCCTTTTTTGCAGAAAAAGAACAGCAAGAAGCGATTGAACA[CAT>C]TGATGAAGTACAAAATGAAATAGACAGGTAACATTTTTCTTAATATACTTCGGAGAAATT-3'